The following is an entry in ClinVar:

ClinVar aggregate classification (germline): Pathogenic (1 of 4 stars; one submission).

Conditions:
Nemaline myopathy 2 (NEM2). Also called: Nemaline myopathy 2, autosomal recessive. Identifiers: MedGen C1850569, MONDO:0009725, OMIM 256030.

Submission:

Labcorp Genetics (formerly Invitae), Labcorp
Classification: Pathogenic for Nemaline myopathy 2. Last evaluated: 2023-08-02. Review status: criteria provided, single submitter. Criteria: Invitae Variant Classification Sherloc (09022015). Collection method: clinical testing. Allele origin: germline.
Comment: This variant occurs in a region of NEB (Exons 82-105) consisting of three highly homologous 8-exon repeat units (exons 82-89, exons 90-97, exons 98-105). Sequence variants in this region can be detected, but this assay cannot determine which of the three repeat units is affected, and zygosity is often ambiguous. All variants in this region are reported relative to the exon 82-89 repeat. This sequence change creates a premature translational stop signal (p.Gln4453*) in the NEB gene. It is expected to result in an absent or disrupted protein product. Loss-of-function variants in NEB are known to be pathogenic (PMID: 25205138). The frequency data for this variant in the population databases (gnomAD) is considered unreliable due to the presence of homologous sequence, such as pseudogenes or paralogs, in the genome. This variant has not been reported in the literature in individuals affected with NEB-related conditions. For these reasons, this variant has been classified as Pathogenic.

Literature cited by the submitters: PubMed 25205138.

NM_001164508.2(NEB):c.13353_13357delinsTCTGT (p.Gln4453Ter)

Gene: NEB (nebulin; minus strand). Cytogenetic location: 2q23.3.
Variant type: Indel.
Coding change: c.13353_13357delinsTCTGT on transcript NM_001164508.2 (MANE Select); coding-DNA positions 13353 to 13357, CCTGC replaced by TCTGT.
Protein change: p.Gln4453Ter; replaces glutamine 4453 with a stop codon.
Molecular consequence: nonsense. On other transcripts: intron variant (1).
Genome position (GRCh38, 1-based): chr2:151,602,598-151,602,602, GCAGG replaced by ACAGA on the plus strand (CCTGC replaced by TCTGT on the coding strand, the reverse complement: NEB is on the minus strand). VCF-style: chr2-151602598-GCAGG-ACAGA. GRCh37 (hg19) VCF-style: chr2-152459112-GCAGG-ACAGA.
Other names: c.13353_13357delinsTCTGT, p.Gln4453Ter (NM_001164507.2, NM_001271208.2); c.11601+7207_11601+7211delinsTCTGT (NM_004543.5); short protein forms Q4453*.
Identifiers: ClinVar variation 2787994 (VCV002787994.3), dbSNP rs2552220945, ClinGen allele CA2739271362.